The following is an entry in ClinVar:

ClinVar aggregate classification (germline): Pathogenic (1 of 4 stars; one submission).

Conditions:
Joubert syndrome 18 (JBTS18). Identifiers: Orphanet 2754, MedGen C3553758, MONDO:0013896, OMIM 614815.
Orofacial-digital syndrome IV (OFD4). Also called: Orofaciodigital syndrome IV; BARAITSER-BURN SYNDROME; MOHR-MAJEWSKI SYNDROME; OFD SYNDROME WITH TIBIAL DEFECTS; OFD SYNDROME, BARAITSER-BURN TYPE; OFDS IV. Identifiers: Orphanet 2753, MedGen C0406727, MONDO:0009794, OMIM 258860.

Submission:

Labcorp Genetics (formerly Invitae), Labcorp
Classification: Pathogenic for Joubert syndrome 18; Orofacial-digital syndrome IV. Last evaluated: 2021-02-22. Review status: criteria provided, single submitter. Criteria: Invitae Variant Classification Sherloc (09022015). Collection method: clinical testing. Allele origin: germline.
Comment: This variant has not been reported in the literature in individuals with TCTN3-related conditions. This sequence change creates a premature translational stop signal (p.Ser252Valfs*32) in the TCTN3 gene. It is expected to result in an absent or disrupted protein product. Loss-of-function variants in TCTN3 are known to be pathogenic (PMID: 2692869, 22883145, 25118024). This variant is not present in population databases (ExAC no frequency). For these reasons, this variant has been classified as Pathogenic.

Literature cited by the submitters: PubMed 2692869; PubMed 22883145; PubMed 25118024.

NM_015631.6(TCTN3):c.754del (p.Ser252fs)

Gene: TCTN3 (tectonic family member 3; minus strand). Cytogenetic location: 10q24.1.
Variant type: Deletion.
Coding change: c.754del on transcript NM_015631.6 (MANE Select); coding-DNA position 754, one base deleted (A; older notation c.754delA).
Protein change: p.Ser252fs; shifts the reading frame from serine 252.
Molecular consequence: frameshift variant.
Genome position (GRCh38, 1-based): chr10:95,687,142, T deleted on the plus strand (A on the coding strand, the reverse complement: TCTN3 is on the minus strand); the first of 4 consecutive T bases (chr10:95,687,142-95,687,145); deleting any one gives the same sequence. VCF-style (leftmost placement, unchanged base first): chr10-95687141-CT-C. GRCh37 (hg19) VCF-style: chr10-97446898-CT-C.
Other names: c.517del, p.Ser173fs (NM_001143973.2); short protein forms S173fs, S252fs.
Identifiers: ClinVar variation 1429071 (VCV001429071.6), dbSNP rs2139749042, ClinGen allele CA2573145997.